The following is an entry in ClinVar:

NM_015158.5(KANK1):c.3536A>G (p.Lys1179Arg)

Genes: KANK1 (KN motif and ankyrin repeat domains 1; plus strand), LOC126860554 (MED14-independent group 3 enhancer GRCh37_chr9:737889-739088; plus strand). Cytogenetic location: 9p24.3.
Variant type: single nucleotide variant.
Coding change: c.3536A>G on transcript NM_015158.5 (MANE Select); coding-DNA position 3536, A replaced by G.
Protein change: p.Lys1179Arg; replaces lysine 1179 with arginine.
Molecular consequence: missense variant. On other transcripts: non-coding transcript variant (1).
Genome position (GRCh38, 1-based): chr9:738,487, A>G. VCF-style: chr9-738487-A-G. GRCh37 (hg19) VCF-style: chr9-738487-A-G.
Other names: c.3536A>G, p.Lys1179Arg (NM_001256876.3, NM_001256877.3, NM_001354334.2); c.3296A>G, p.Lys1099Arg (NM_001354331.2); c.3482A>G, p.Lys1161Arg (NM_001354332.2); c.3062A>G, p.Lys1021Arg (NM_001354333.2, NM_001354335.2, NM_001354337.2 and 2 more transcripts); c.2768A>G, p.Lys923Arg (NM_001354336.2); c.3008A>G, p.Lys1003Arg (NM_001354338.2, NM_001354340.2, NM_001354344.2); c.2822A>G, p.Lys941Arg (NM_001354339.2, NM_001354342.2, NM_001354343.2); short protein forms K1099R, K1161R, K941R, K1003R, K1021R, K1179R, K923R.
Identifiers: ClinVar variation 3703990 (VCV003703990.2).

ClinVar aggregate classification (germline): Uncertain significance (1 of 4 stars; one submission).

gnomAD v4.1: 1 of 1,613,994 alleles (0.000062%); highest among the groups gnomAD compares: Admixed American, 0.0017%; no homozygotes.

Submission:

Labcorp Genetics (formerly Invitae), Labcorp
Classification: Uncertain significance. Last evaluated: 2024-06-05. Review status: criteria provided, single submitter. Criteria: Invitae Variant Classification Sherloc (09022015). Collection method: clinical testing. Allele origin: germline.
Comment: This sequence change replaces lysine, which is basic and polar, with arginine, which is basic and polar, at codon 1179 of the KANK1 protein (p.Lys1179Arg). This variant is present in population databases (rs747979474, gnomAD 0.006%). This variant has not been reported in the literature in individuals affected with KANK1-related conditions. Advanced modeling of protein sequence and biophysical properties (such as structural, functional, and spatial information, amino acid conservation, physicochemical variation, residue mobility, and thermodynamic stability) performed at Invitae indicates that this missense variant is not expected to disrupt KANK1 protein function with a negative predictive value of 80%. In summary, the available evidence is currently insufficient to determine the role of this variant in disease. Therefore, it has been classified as a Variant of Uncertain Significance.